The following is an entry in ClinVar:

ClinVar aggregate classification (germline): Benign. Review status: criteria provided, multiple submitters, no conflicts (2 of 4 stars). 4 submissions from 4 submitters: Benign (4). Last evaluated 2026-02-03.

Conditions:
Intellectual developmental disorder, autosomal recessive 5. Also called: Intellectual disability, autosomal recessive 5. Identifiers: Orphanet 88616, MedGen C1970199, MONDO:0012613, OMIM 611091.
NSUN2-related disorder. Also called: NSUN2-related condition.

Allele frequency attached by ClinVar (database versions not stated): 1000 Genomes Project 0.01917; gnomAD exomes 0.00132 and 0.00423; gnomAD 0.01547 and 0.01651; TOPMed 0.01708; ESP Exome Variant Server 0.01853; 1000 Genomes Project 30x 0.01983; ExAC 0.00484.
gnomAD v4.1: 4,356 of 1,591,716 alleles (0.27%); highest among the groups gnomAD compares: African/African-American, 5.3%; 112 homozygotes.

Submissions (4):

Labcorp Genetics (formerly Invitae), Labcorp
Classification: Benign. Last evaluated: 2026-02-03. Review status: criteria provided, single submitter. Criteria: Invitae Variant Classification Sherloc (09022015). Collection method: clinical testing. Allele origin: germline.

PreventionGenetics, part of Exact Sciences
Classification: Benign for NSUN2-related condition. Last evaluated: 2025-07-21. Review status: criteria provided, single submitter. Criteria: ACMG Guidelines, 2015. Collection method: clinical testing. Allele origin: germline.
Comment: This variant is classified as benign based on ACMG/AMP sequence variant interpretation guidelines (Richards et al. 2015 PMID: 25741868, with internal and published modifications).

GeneDx
Classification: Benign. Last evaluated: 2018-10-09. Review status: criteria provided, single submitter. Criteria: GeneDx Variant Classification Process June 2021. Collection method: clinical testing. Allele origin: germline. Affected: yes.

Illumina Laboratory Services, Illumina
Classification: Benign for Intellectual developmental disorder, autosomal recessive 5. Last evaluated: 2018-01-13. Review status: criteria provided, single submitter. Criteria: ICSL Variant Classification Criteria 13 December 2019. Collection method: clinical testing. Allele origin: germline.
Comment: This variant was observed in the ICSL laboratory as part of a predisposition screen in an ostensibly healthy population. It had not been previously curated by ICSL or reported in the Human Gene Mutation Database (HGMD: prior to June 1st, 2018), and was therefore a candidate for classification through an automated scoring system. Utilizing variant allele frequency, disease prevalence and penetrance estimates, and inheritance mode, an automated score was calculated to assess if this variant is too frequent to cause the disease. Based on the score and internal cut-off values, a variant classified as benign is not then subjected to further curation. The score for this variant resulted in a classification of benign for this disease.

NM_017755.6(NSUN2):c.537+9T>C

Gene: NSUN2 (NOP2/Sun RNA methyltransferase 2; minus strand). Cytogenetic location: 5p15.31.
Variant type: single nucleotide variant.
Coding change: c.537+9T>C on transcript NM_017755.6 (MANE Select); 9 bases into the intron after coding-DNA position 537, T replaced by C.
Molecular consequence: intron variant.
Genome position (GRCh38, 1-based): chr5:6,623,205, A>G on the plus strand (T>C on the coding strand, the complement: NSUN2 is on the minus strand). VCF-style: chr5-6623205-A-G. GRCh37 (hg19) VCF-style: chr5-6623318-A-G.
Other names: c.432+9T>C (NM_001193455.2).
Identifiers: ClinVar variation 354059 (VCV000354059.16), dbSNP rs116785933, ClinGen allele CA3192755.
Genomic context (GRCh38, chr5:6,623,205, plus strand): 5'-ATCAAAACAAACAGGCATGACACTGGTAACAAGCTGCCCGCCCCCACGTTTCTAGTTGCT[A>G]TATGCTACCTTATGATGAGGCCGCACGTTGAGGAGCAGTGGTGGGATCATGCTAACAGCT-3'